The following is an entry in ClinVar:

ClinVar aggregate classification (germline): Uncertain significance (1 of 4 stars; one submission).

Conditions:
Kostmann syndrome (SCN3). Also called: Autosomal recessive severe congenital neutropenia type 3; KOSTMANN DISEASE. Identifiers: Orphanet 99749, MedGen C5235141, MONDO:0012548, OMIM 610738.

Submission:

Labcorp Genetics (formerly Invitae), Labcorp
Classification: Uncertain significance for Kostmann syndrome. Last evaluated: 2022-04-12. Review status: criteria provided, single submitter. Criteria: Invitae Variant Classification Sherloc (09022015). Collection method: clinical testing. Allele origin: germline.
Comment: This sequence change falls in intron 2 of the HAX1 gene. It does not directly change the encoded amino acid sequence of the HAX1 protein. It affects a nucleotide within the consensus splice site. This variant is present in population databases (no rsID available, gnomAD no frequency). This variant has not been reported in the literature in individuals affected with HAX1-related conditions. Variants that disrupt the consensus splice site are a relatively common cause of aberrant splicing (PMID: 17576681, 9536098). Algorithms developed to predict the effect of sequence changes on RNA splicing suggest that this variant is not likely to affect RNA splicing. In summary, the available evidence is currently insufficient to determine the role of this variant in disease. Therefore, it has been classified as a Variant of Uncertain Significance.

Literature cited by the submitters: PubMed 17576681 (cited by Labcorp Genetics (formerly Invitae), Labcorp); PubMed 9536098 (cited by Labcorp Genetics (formerly Invitae), Labcorp).

NM_006118.4(HAX1):c.316+4T>G

Gene: HAX1 (HCLS1 associated protein X-1; plus strand). Cytogenetic location: 1q21.3.
Variant type: single nucleotide variant.
Coding change: c.316+4T>G on transcript NM_006118.4 (MANE Select); 4 bases into the intron after coding-DNA position 316, T replaced by G.
Molecular consequence: intron variant.
Genome position (GRCh38, 1-based): chr1:154,273,602, T>G. VCF-style: chr1-154273602-T-G. GRCh37 (hg19) VCF-style: chr1-154246078-T-G.
Other names: c.172+4T>G (NM_001018837.2).
Identifiers: ClinVar variation 2191996 (VCV002191996.2), dbSNP rs373319838, ClinGen allele CA30769630.